The following is an entry in ClinVar:

ClinVar aggregate classification (germline): Conflicting classifications of pathogenicity. Review status: criteria provided, conflicting classifications (1 of 4 stars). 5 submissions from 5 submitters: Uncertain significance (3); Likely benign (1). 1 of the submissions does not count toward it. Last evaluated 2025-08-11.

Conditions:
Inborn genetic diseases. Identifiers: MedGen C0950123, MeSH D030342.
Nemaline myopathy 2 (NEM2). Also called: Nemaline myopathy 2, autosomal recessive. Identifiers: MedGen C1850569, MONDO:0009725, OMIM 256030.

Allele frequency attached by ClinVar (database versions not stated): ExAC 0.00002; TOPMed 0.00002; gnomAD 0.00003; gnomAD exomes 0.00003; ESP Exome Variant Server 0.00016.
gnomAD v4.1: 45 of 1,613,354 alleles (0.0028%); highest among the groups gnomAD compares: Middle Eastern, 0.017%; no homozygotes.

Submissions (5):

Ambry Genetics
Classification: Uncertain significance for Inborn genetic diseases. Last evaluated: 2025-08-11. Review status: criteria provided, single submitter. Criteria: Ambry Variant Classification Scheme 2023. Collection method: clinical testing. Allele origin: germline.

CeGaT Center for Human Genetics Tuebingen
Classification: Uncertain significance. Last evaluated: 2025-03-01. Review status: criteria provided, single submitter. Criteria: CeGaT Center For Human Genetics Tuebingen Variant Classification Criteria Version 2. Collection method: clinical testing. Allele origin: germline. Affected: yes. Observed: 1 variant allele.
Comment: NEB: PM2

Labcorp Genetics (formerly Invitae), Labcorp
Classification: Likely benign for Nemaline myopathy 2. Last evaluated: 2024-06-12. Review status: criteria provided, single submitter. Criteria: Invitae Variant Classification Sherloc (09022015). Collection method: clinical testing. Allele origin: germline.

Revvity Omics, Revvity
Classification: Uncertain significance. Last evaluated: 2022-06-08. Review status: criteria provided, single submitter. Criteria: ACMG Guidelines, 2015. Collection method: clinical testing. Allele origin: germline.

Natera, Inc.
Classification: Uncertain significance for Nemaline myopathy type 2. Last evaluated: 2021-02-24. Review status: no assertion criteria provided. Collection method: clinical testing. Allele origin: germline. Not counted in ClinVar's aggregate classification.

NM_001164508.2(NEB):c.20434A>G (p.Met6812Val)

Gene: NEB (nebulin; minus strand). Cytogenetic location: 2q23.3.
Variant type: single nucleotide variant.
Coding change: c.20434A>G on transcript NM_001164508.2 (MANE Select); coding-DNA position 20434, A replaced by G.
Protein change: p.Met6812Val; replaces methionine 6812 with valine.
Molecular consequence: missense variant.
Genome position (GRCh38, 1-based): chr2:151,546,377, T>C on the plus strand (A>G on the coding strand, the complement: NEB is on the minus strand). VCF-style: chr2-151546377-T-C. GRCh37 (hg19) VCF-style: chr2-152402891-T-C.
Other names: c.20434A>G, p.Met6812Val (NM_001164507.2, NM_001271208.2); c.15331A>G, p.Met5111Val (NM_004543.5); c.15331A>G (NM_004543.4); short protein forms M5111V, M6812V.
Identifiers: ClinVar variation 841417 (VCV000841417.26), dbSNP rs370764959, ClinGen allele CA1907307.